The following is an entry in ClinVar:

ClinVar aggregate classification (germline): Uncertain significance (1 of 4 stars; one submission).

Submission:

GeneDx
Classification: Uncertain significance. Last evaluated: 2017-09-29. Review status: criteria provided, single submitter. Criteria: GeneDx Variant Classification (06012015). Collection method: clinical testing. Allele origin: germline. Affected: yes.
Comment: A variant of uncertain significance has been identified in the ALMS1 gene. The c.68_69insAGA variant has not been published as pathogenic or been reported as benign to our knowledge. This variant is not observed in large population cohorts (Lek et al., 2016). The c.68_69insAGA variant results in the insertion of a glutamic acid (E) residue, denoted p.Glu29_Ala30insE. However, this residue is inserted in a region of glutamic acid repeats.

NM_001378454.1(ALMS1):c.65_66insAGA (p.Glu28dup)

Gene: ALMS1 (ALMS1 centrosome and basal body associated protein; plus strand). Cytogenetic location: 2p13.1.
Variant type: Insertion.
Coding change: c.65_66insAGA on transcript NM_001378454.1 (MANE Select); coding-DNA positions 65 to 66, AGA inserted.
Protein change: p.Glu28dup; duplicates glutamic acid 28.
Molecular consequence: inframe insertion.
Genome position: GRCh38 VCF-style: chr2-73385931-G-GGAA. GRCh37 (hg19) VCF-style: chr2-73613059-G-GGAA.
Other names: c.68_69insAGA, p.Glu29dup (NM_015120.4).
Identifiers: ClinVar variation 449884 (VCV000449884.1), dbSNP rs1553396148, ClinGen allele CA534125560.
Genomic context (GRCh38, chr2:73,385,931, plus strand): 5'-GGAGCCCGAGGATCTGCCATGGCCGGGCGAGCTGGAGGAGGAGGAGGAGGAGGAGGAGGA[G>GGAA]GAGGAGGAGGAAGAGGAGGAGGCTGCAGCGGCGGCGGCGGCGAACGTGGACGACGTAGTG-3'